The following is an entry in ClinVar:

NM_033380.3(COL4A5):c.3170G>A (p.Gly1057Glu)

Gene: COL4A5 (collagen type IV alpha 5 chain; plus strand). Cytogenetic location: Xq22.3.
Variant type: single nucleotide variant.
Coding change: c.3170G>A on transcript NM_033380.3 (MANE Select); coding-DNA position 3170, G replaced by A.
Protein change: p.Gly1057Glu; replaces glycine 1057 with glutamic acid.
Molecular consequence: missense variant.
Genome position (GRCh38, 1-based): chrX:108,626,273, G>A. VCF-style: chrX-108626273-G-A. GRCh37 (hg19) VCF-style: chrX-107869503-G-A.
Other names: c.3170G>A, p.Gly1057Glu (NM_000495.5); short protein forms G1057E.
Identifiers: ClinVar variation 2634407 (VCV002634407.4), dbSNP rs1569499010, ClinGen allele CA413854968.

ClinVar aggregate classification (germline): Likely pathogenic. Review status: criteria provided, multiple submitters, no conflicts (2 of 4 stars). 2 submissions from 2 submitters: Likely pathogenic (2). Last evaluated 2023-08-18.

Conditions:
COL4A5-related disorder. Also called: COL4A5-related condition.

Submissions (2):

PreventionGenetics, part of Exact Sciences
Classification: Likely pathogenic for COL4A5-related condition. Last evaluated: 2023-08-18. Review status: criteria provided, single submitter. Criteria: ACMG Guidelines, 2015. Collection method: clinical testing. Allele origin: germline.
Comment: The COL4A5 c.3170G>A variant is predicted to result in the amino acid substitution p.Gly1057Glu. This variant was reported in an individual with Alport syndrome (Zhang et al. 2018. PubMed ID: 30577881). In addition, The p.Gly1057Glu residue resides in the triple-helical region (residues 42 – 1456) of the COL4A5 protein. The majority of pathogenic variants in COL4A5 substitute a glycine residue to a bulkier amino acid in the triple-helical domain (Hudson et al. 1993. PubMed ID: 8253711). This variant has not been reported in a large population database, indicating this variant is rare. This variant is interpreted as likely pathogenic.

Labcorp Genetics (formerly Invitae), Labcorp
Classification: Likely pathogenic. Last evaluated: 2023-05-15. Review status: criteria provided, single submitter. Criteria: Invitae Variant Classification Sherloc (09022015). Collection method: clinical testing. Allele origin: germline.
Comment: In summary, the currently available evidence indicates that the variant is pathogenic, but additional data are needed to prove that conclusively. Therefore, this variant has been classified as Likely Pathogenic. This sequence change replaces glycine, which is neutral and non-polar, with glutamic acid, which is acidic and polar, at codon 1057 of the COL4A5 protein (p.Gly1057Glu). This variant is not present in population databases (gnomAD no frequency). This missense change has been observed in individual(s) with Alport syndrome (PMID: 30577881). Advanced modeling of protein sequence and biophysical properties (such as structural, functional, and spatial information, amino acid conservation, physicochemical variation, residue mobility, and thermodynamic stability) performed at Invitae indicates that this missense variant is expected to disrupt COL4A5 protein function. This variant disrupts the triple helix domain of COL4A5. Glycine residues within the Gly-Xaa-Yaa repeats of the triple helix domain are required for the structure and stability of fibrillar collagens (PMID: 7695699, 8218237, 19344236). In COL4A5, missense variants at these glycine residues are significantly enriched in individuals with disease (PMID: 23720012, 27627812) compared to the general population (ExAC).

Literature cited by the submitters: PubMed 30577881 (cited by Labcorp Genetics (formerly Invitae), Labcorp); PubMed 7695699 (cited by Labcorp Genetics (formerly Invitae), Labcorp); PubMed 8218237 (cited by Labcorp Genetics (formerly Invitae), Labcorp); PubMed 19344236 (cited by Labcorp Genetics (formerly Invitae), Labcorp); PubMed 23720012 (cited by Labcorp Genetics (formerly Invitae), Labcorp); PubMed 27627812 (cited by Labcorp Genetics (formerly Invitae), Labcorp).